The following is an entry in ClinVar:

ClinVar aggregate classification (germline): Uncertain significance. Review status: criteria provided, multiple submitters, no conflicts (2 of 4 stars). 2 submissions from 2 submitters: Uncertain significance (2). Last evaluated 2026-01-14.

Conditions:
Inborn genetic diseases. Identifiers: MedGen C0950123, MeSH D030342.

Allele frequency attached by ClinVar (database versions not stated): gnomAD exomes below 0.00001; ExAC 0.00001; TOPMed 0.00001; ESP Exome Variant Server 0.00008.
gnomAD v4.1: 3 of 1,614,226 alleles (0.00019%); highest among the groups gnomAD compares: East Asian, 0.0022%; no homozygotes.

Submissions (2):

Ambry Genetics
Classification: Uncertain significance for Inborn genetic diseases. Last evaluated: 2026-01-14. Review status: criteria provided, single submitter. Criteria: Ambry Variant Classification Scheme 2023. Collection method: clinical testing. Allele origin: germline.
Comment: The c.7736A>G (p.N2579S) alteration is located in exon 27 (coding exon 27) of the KMT2A gene. This alteration results from a A to G substitution at nucleotide position 7736, causing the asparagine (N) at amino acid position 2579 to be replaced by a serine (S). Based on data from gnomAD, the G allele has an overall frequency of <0.001% (1/251480) total alleles studied. The highest observed frequency was 0.001% (1/113756) of European (non-Finnish) alleles. Based on insufficient or conflicting evidence, the clinical significance of this alteration remains unclear.

Labcorp Genetics (formerly Invitae), Labcorp
Classification: Uncertain significance. Last evaluated: 2024-02-24. Review status: criteria provided, single submitter. Criteria: Invitae Variant Classification Sherloc (09022015). Collection method: clinical testing. Allele origin: germline.
Comment: This sequence change replaces asparagine, which is neutral and polar, with serine, which is neutral and polar, at codon 2579 of the KMT2A protein (p.Asn2579Ser). This variant is present in population databases (rs147223140, gnomAD 0.0009%). This variant has not been reported in the literature in individuals affected with KMT2A-related conditions. ClinVar contains an entry for this variant (Variation ID: 1400488). Advanced modeling of protein sequence and biophysical properties (such as structural, functional, and spatial information, amino acid conservation, physicochemical variation, residue mobility, and thermodynamic stability) performed at Invitae indicates that this missense variant is not expected to disrupt KMT2A protein function with a negative predictive value of 95%. In summary, the available evidence is currently insufficient to determine the role of this variant in disease. Therefore, it has been classified as a Variant of Uncertain Significance.

NM_001197104.2(KMT2A):c.7736A>G (p.Asn2579Ser)

Gene: KMT2A (lysine methyltransferase 2A; plus strand). Cytogenetic location: 11q23.3.
Variant type: single nucleotide variant.
Coding change: c.7736A>G on transcript NM_001197104.2 (MANE Select); coding-DNA position 7736, A replaced by G.
Protein change: p.Asn2579Ser; replaces asparagine 2579 with serine.
Molecular consequence: missense variant.
Genome position (GRCh38, 1-based): chr11:118,503,628, A>G. VCF-style: chr11-118503628-A-G. GRCh37 (hg19) VCF-style: chr11-118374343-A-G.
Other names: c.7736A>G (NM_001197104.1); c.7727A>G, p.Asn2576Ser (NM_005933.4); short protein forms N2576S, N2579S.
Identifiers: ClinVar variation 1400488 (VCV001400488.8), dbSNP rs147223140, ClinGen allele CA6304433.
Genomic context (GRCh38, chr11:118,503,628, plus strand): 5'-CAGAACCAATTTCAGCCTCTGAAAATCCAGGAGATGGTCCAGTGGCCCAACCAAGCCCCA[A>G]TAATACCTCATGCCAGGATTCTCAAAGTAACAACTATCAGAATCTTCCAGTACAGGACAG-3'
Protein context (NP_001184033.1, residues 2569-2589): GDGPVAQPSP[Asn2579Ser]NTSCQDSQSN